The following is an entry in ClinVar:

NM_007192.4(SUPT16H):c.2578G>T (p.Val860Phe)

Gene: SUPT16H (SPT16 homolog, facilitates chromatin remodeling subunit; minus strand). Cytogenetic location: 14q11.2.
Variant type: single nucleotide variant.
Coding change: c.2578G>T on transcript NM_007192.4 (MANE Select); coding-DNA position 2578, G replaced by T.
Protein change: p.Val860Phe; replaces valine 860 with phenylalanine.
Molecular consequence: missense variant.
Genome position (GRCh38, 1-based): chr14:21,357,279, C>A on the plus strand (G>T on the coding strand, the complement: SUPT16H is on the minus strand). VCF-style: chr14-21357279-C-A. GRCh37 (hg19) VCF-style: chr14-21825438-C-A.
Other names: short protein forms V860F.
Identifiers: ClinVar variation 3066384 (VCV003066384.1), dbSNP rs369898452, ClinGen allele CA388861140.

ClinVar aggregate classification (germline): Uncertain significance (1 of 4 stars; one submission).

Conditions:
Neurodevelopmental disorder with dysmorphic facies and thin corpus callosum. Identifiers: MedGen C5551361, MONDO:0859179, OMIM 619480.

Submission:

MVZ Medizinische Genetik Mainz
Classification: Uncertain significance for Neurodevelopmental disorder with dysmorphic facies and thin corpus callosum. Last evaluated: 2022-12-01. Review status: criteria provided, single submitter. Criteria: UK Practice Guidelines For Variant Classification V4 01 2020. Collection method: clinical testing. Allele origin: germline. Inheritance: Autosomal dominant inheritance. Affected: yes. Observed: 1 variant allele.
Comment: ACMG Criteria: PM2_SUP,PP2,PP3